The following is an entry in ClinVar:

NM_177438.3(DICER1):c.3567T>C (p.Tyr1189=)

Gene: DICER1 (dicer 1, ribonuclease III; minus strand). Cytogenetic location: 14q32.13.
Variant type: single nucleotide variant.
Coding change: c.3567T>C on transcript NM_177438.3 (MANE Select); coding-DNA position 3567, T replaced by C.
Protein change: p.Tyr1189=; no amino-acid change (tyrosine 1189 retained).
Molecular consequence: synonymous variant.
Genome position (GRCh38, 1-based): chr14:95,103,829, A>G on the plus strand (T>C on the coding strand, the complement: DICER1 is on the minus strand). VCF-style: chr14-95103829-A-G. GRCh37 (hg19) VCF-style: chr14-95570166-A-G.
Other names: c.3567T>C, p.Tyr1189= (NM_001195573.1, NM_001271282.3, NM_001291628.2 and 1 more transcripts).
Identifiers: ClinVar variation 477149 (VCV000477149.21), dbSNP rs141288912, ClinGen allele CA7331024.

ClinVar aggregate classification (germline): Benign/Likely benign. Review status: criteria provided, multiple submitters, no conflicts (2 of 4 stars). 4 submissions from 4 submitters: Benign (1); Likely benign (2). 1 of the submissions does not count toward it. Last evaluated 2026-04-17.

Conditions:
DICER1-related disorder. Also called: DICER1-related condition.
DICER1-related tumor predisposition. Also called: DICER1-related pleuropulmonary blastoma cancer predisposition syndrome; DICER1 syndrome. Identifiers: Orphanet 284343, MedGen C3839822, MONDO:0100216.
Hereditary cancer-predisposing syndrome. Also called: Hereditary neoplastic syndrome; Neoplastic Syndromes, Hereditary; Hereditary Cancer Syndrome; Tumor predisposition. Identifiers: Orphanet 140162, MedGen C0027672, MeSH D009386, MONDO:0015356.

Allele frequency attached by ClinVar (database versions not stated): gnomAD exomes below 0.00001; TOPMed 0.00004; ESP Exome Variant Server 0.00015; ExAC 0.00001; gnomAD 0.00005 and 0.00006.
gnomAD v4.1: 18 of 1,614,226 alleles (0.0011%); highest among the groups gnomAD compares: Middle Eastern, 0.016%; no homozygotes.

Submissions (4):

Myriad Genetics, Inc.
Classification: Benign for DICER1-related tumor predisposition. Last evaluated: 2026-04-17. Review status: criteria provided, single submitter. Criteria: Myriad Autosomal Dominant, Autosomal Recessive and X-Linked Classification Criteria (2023). Collection method: clinical testing. Allele origin: unknown.
Comment: This variant is considered benign. This variant is a silent/synonymous amino acid change and it is not expected to impact splicing.

Labcorp Genetics (formerly Invitae), Labcorp
Classification: Likely benign for DICER1-related tumor predisposition. Last evaluated: 2026-01-31. Review status: criteria provided, single submitter. Criteria: Invitae Variant Classification Sherloc (09022015). Collection method: clinical testing. Allele origin: germline.

Ambry Genetics
Classification: Likely benign for Hereditary cancer-predisposing syndrome. Last evaluated: 2017-07-11. Review status: criteria provided, single submitter. Criteria: Ambry Variant Classification Scheme 2023. Collection method: clinical testing. Allele origin: germline.

PreventionGenetics, part of Exact Sciences
Classification: Likely benign for DICER1-related condition. Last evaluated: 2020-12-31. Review status: no assertion criteria provided. Collection method: clinical testing. Allele origin: germline. Not counted in ClinVar's aggregate classification.
Comment: This variant is classified as likely benign based on ACMG/AMP sequence variant interpretation guidelines (Richards et al. 2015 PMID: 25741868, with internal and published modifications).